The following is an entry in ClinVar:

NM_006734.4(HIVEP2):c.846T>A (p.Asp282Glu)

Gene: HIVEP2 (HIVEP zinc finger 2; minus strand). Cytogenetic location: 6q24.2.
Variant type: single nucleotide variant.
Coding change: c.846T>A on transcript NM_006734.4 (MANE Select); coding-DNA position 846, T replaced by A.
Protein change: p.Asp282Glu; replaces aspartic acid 282 with glutamic acid.
Molecular consequence: missense variant.
Genome position (GRCh38, 1-based): chr6:142,773,893, A>T on the plus strand (T>A on the coding strand, the complement: HIVEP2 is on the minus strand). VCF-style: chr6-142773893-A-T. GRCh37 (hg19) VCF-style: chr6-143095030-A-T.
Other names: short protein forms D282E.
Identifiers: ClinVar variation 1711641 (VCV001711641.30), dbSNP rs2482853735, ClinGen allele CA365915136.

ClinVar aggregate classification (germline): Uncertain significance (1 of 4 stars; one submission).

Submission:

CeGaT Center for Human Genetics Tuebingen
Classification: Uncertain significance. Last evaluated: 2022-08-01. Review status: criteria provided, single submitter. Criteria: CeGaT Center For Human Genetics Tuebingen Variant Classification Criteria Version 2. Collection method: clinical testing. Allele origin: germline. Affected: yes. Observed: 1 variant allele.
Comment: HIVEP2: PM2